The following is an entry in ClinVar:

ClinVar aggregate classification (germline): Uncertain significance. Review status: criteria provided, single submitter (1 of 4 stars). 2 submissions from 2 submitters: Uncertain significance (1). 1 of the submissions does not count toward it. Last evaluated 2024-11-22.

Conditions:
Hereditary cancer-predisposing syndrome. Also called: Tumor predisposition; Hereditary neoplastic syndrome; Hereditary Cancer Syndrome; Neoplastic Syndromes, Hereditary. Identifiers: Orphanet 140162, MedGen C0027672, MeSH D009386, MONDO:0015356.
Breast-ovarian cancer, familial, susceptibility to, 1 (BROVCA1). Also called: BRCA1 Hereditary Breast and Ovarian Cancer; OVARIAN CANCER, SUSCEPTIBILITY TO. Identifiers: Orphanet 145, MedGen C2676676, MONDO:0011450, OMIM 604370. Disease mechanism: loss of function.

Submissions (2):

Ambry Genetics
Classification: Uncertain significance for Hereditary cancer-predisposing syndrome. Last evaluated: 2024-11-22. Review status: criteria provided, single submitter. Criteria: Ambry Variant Classification Scheme 2023. Collection method: clinical testing. Allele origin: germline.
Comment: The c.4185+5_4185+7delAAA intronic variant begins 5 nucleotides after coding exon 10 in the BRCA1 gene. This variant results from a deletion of 3 nucleotides at positions c.4185+5 to c.4185+7. This nucleotide region is not well conserved in available vertebrate species. In silico splice site analysis predicts that this alteration will not have any significant effect on splicing. Based on the available evidence, the clinical significance of this variant remains unclear.

Breast Cancer Information Core (BIC) (BRCA1)
Classification: Uncertain significance for Breast-ovarian cancer, familial 1. Last evaluated: 2003-12-23. Review status: no assertion criteria provided. Collection method: clinical testing. Allele origin: germline. Affected: yes. Observed: 1 variant allele. Not counted in ClinVar's aggregate classification.

NM_007294.4(BRCA1):c.4185+5_4185+7del

Gene: BRCA1 (BRCA1 DNA repair associated; minus strand). Cytogenetic location: 17q21.31.
Variant type: Deletion.
Coding change: c.4185+5_4185+7del on transcript NM_007294.4 (MANE Select); bases 5 to 7 of the intron after coding-DNA position 4185, 3 bases deleted (AAA; older notation c.4185+5_4185+7delAAA).
Molecular consequence: intron variant.
Genome position (GRCh38, 1-based): chr17:43,090,937-43,090,939, TTT deleted on the plus strand (AAA on the coding strand, the reverse complement: BRCA1 is on the minus strand); deleting any 3 consecutive bases within chr17:43,090,937-43,090,941 gives the same sequence; the c. name uses the placement nearest the transcript's 3' end. VCF-style (leftmost placement, unchanged base first): chr17-43090936-CTTT-C. GRCh37 (hg19) VCF-style: chr17-41242953-CTTT-C.
Other names: IVS12+5delAAA; c.4185+5_4185+7delAAA (NM_007294.3); c.4185+5_4185+7del (NM_001407626.1, NM_001407617.1, NM_001407652.1 and 30 more transcripts); c.666+5_666+7del (NM_001408492.1, NM_001408513.1, NM_001408489.1 and 9 more transcripts); c.732+5_732+7del (NM_001408468.1, NM_001408465.1, NM_001408463.1 and 3 more transcripts); c.4041+5_4041+7del (NM_001407842.1, NM_001407749.1, NM_001407846.1 and 20 more transcripts); c.612+5_612+7del (NM_001408501.1, NM_001408500.1, NM_001408497.1 and 3 more transcripts); c.735+5_735+7del (NM_001408455.1, NM_001408466.1, NM_001408452.1 and 11 more transcripts); and 43 more.
Identifiers: ClinVar variation 125692 (VCV000125692.3), dbSNP rs398122352, ClinGen allele CA268193.